The following is an entry in ClinVar:

ClinVar aggregate classification (germline): Uncertain significance (1 of 4 stars; one submission).

Conditions:
Intellectual developmental disorder with autism and speech delay. Also called: AUTISM-RELATED SPEECH DELAY; Autism 5; PHRASE SPEECH DELAY, AUTISM-RELATED; Autism, susceptibility to, 5; AUTS5. Identifiers: MedGen C1853755, MONDO:0011627, OMIM 606053.

Submission:

Juno Genomics, Hangzhou Juno Genomics, Inc
Classification: Uncertain significance for Intellectual developmental disorder with autism and speech delay. Review status: criteria provided, single submitter. Criteria: ACMG Guidelines, 2015. Collection method: clinical testing. Allele origin: germline.
Comment: Absent from controls (or at extremely low frequency if recessive) in Genome Aggregation Database.;Missense variant in a gene that has a low rate of benign missense variation.

NM_006593.4(TBR1):c.1364C>A (p.Pro455Gln)

Gene: TBR1 (T-box brain transcription factor 1; plus strand). Cytogenetic location: 2q24.2.
Variant type: single nucleotide variant.
Coding change: c.1364C>A on transcript NM_006593.4 (MANE Select); coding-DNA position 1364, C replaced by A.
Protein change: p.Pro455Gln; replaces proline 455 with glutamine.
Molecular consequence: missense variant.
Genome position (GRCh38, 1-based): chr2:161,423,542, C>A. VCF-style: chr2-161423542-C-A. GRCh37 (hg19) VCF-style: chr2-162280053-C-A.
Other names: short protein forms P455Q.
Identifiers: ClinVar variation 5006105 (VCV005006105.2).